The following is an entry in ClinVar:

ClinVar aggregate classification (germline): Uncertain significance (1 of 4 stars; one submission).

Conditions:
Charcot-Marie-Tooth disease axonal type 2O. Also called: Charcot-Marie-Tooth Neuropathy Type 2O; CHARCOT-MARIE-TOOTH NEUROPATHY, AXONAL, TYPE 2O; CHARCOT-MARIE-TOOTH DISEASE, AXONAL, AUTOSOMAL DOMINANT, TYPE 2O; Charcot-Marie-Tooth disease, axonal, type 20. Identifiers: Orphanet 284232, MedGen C3280220, MONDO:0013644, OMIM 614228.

Submission:

Labcorp Genetics (formerly Invitae), Labcorp
Classification: Uncertain significance for Charcot-Marie-Tooth disease axonal type 2O. Last evaluated: 2022-02-05. Review status: criteria provided, single submitter. Criteria: Invitae Variant Classification Sherloc (09022015). Collection method: clinical testing. Allele origin: germline.
Comment: This variant has not been reported in the literature in individuals affected with DYNC1H1-related conditions. ClinVar contains an entry for this variant (Variation ID: 958654). Advanced modeling of protein sequence and biophysical properties (such as structural, functional, and spatial information, amino acid conservation, physicochemical variation, residue mobility, and thermodynamic stability) performed at Invitae indicates that this missense variant is not expected to disrupt DYNC1H1 protein function. In summary, the available evidence is currently insufficient to determine the role of this variant in disease. Therefore, it has been classified as a Variant of Uncertain Significance. This sequence change replaces glutamic acid, which is acidic and polar, with glycine, which is neutral and non-polar, at codon 4359 of the DYNC1H1 protein (p.Glu4359Gly). This variant is not present in population databases (gnomAD no frequency).

NM_001376.5(DYNC1H1):c.13076A>G (p.Glu4359Gly)

Gene: DYNC1H1 (dynein cytoplasmic 1 heavy chain 1; plus strand). Cytogenetic location: 14q32.31.
Variant type: single nucleotide variant.
Coding change: c.13076A>G on transcript NM_001376.5 (MANE Select); coding-DNA position 13076, A replaced by G.
Protein change: p.Glu4359Gly; replaces glutamic acid 4359 with glycine.
Molecular consequence: missense variant.
Genome position (GRCh38, 1-based): chr14:102,047,886, A>G. VCF-style: chr14-102047886-A-G. GRCh37 (hg19) VCF-style: chr14-102514223-A-G.
Other names: short protein forms E4359G.
Identifiers: ClinVar variation 958654 (VCV000958654.9), dbSNP rs1253900818, ClinGen allele CA391045942.
Genomic context (GRCh38, chr14:102,047,886, plus strand): 5'-TGATCAGTAAAATGCTGAAGATGCAGATGTTGGAGGATGAGGACGACCTGGCCTACGCAG[A>G]GACTGAGAAGAAGACGAGGACAGACTCCACGTCCGACGGGCGCCCTGCCTGGATGCGGAC-3'
Protein context (NP_001367.2, residues 4349-4369): LEDEDDLAYA[Glu4359Gly]TEKKTRTDST